The following is an entry in ClinVar:

ClinVar aggregate classification (germline): Uncertain significance (1 of 4 stars; one submission).

Conditions:
Dilated cardiomyopathy 1G (CMD1G). Identifiers: Orphanet 154, MedGen C1858763, MONDO:0011400, OMIM 604145.

gnomAD v4.1: 4 of 1,607,472 alleles (0.00025%); highest among the groups gnomAD compares: Non-Finnish European, 0.00034%; no homozygotes.

Submission:

Department of Human Genetics, Hannover Medical School
Classification: Uncertain significance for Dilated cardiomyopathy 1G. Last evaluated: 2025-02-05. Review status: criteria provided, single submitter. Criteria: ACMG Guidelines, 2015. Collection method: clinical testing. Allele origin: germline. Affected: yes.
Comment: ACMG: PM2_Supporting, BP4

NM_001267550.2(TTN):c.46305-3T>C

Genes: TTN (titin; minus strand), TTN-AS1 (TTN antisense RNA 1; plus strand). Cytogenetic location: 2q31.2.
Variant type: single nucleotide variant.
Coding change: c.46305-3T>C on transcript NM_001267550.2 (MANE Select); 3 bases into the intron before coding-DNA position 46305, T replaced by C.
Molecular consequence: intron variant. On other transcripts: non-coding transcript variant (1).
Genome position (GRCh38, 1-based): chr2:178,620,115, A>G on the plus strand (T>C on the coding strand, the complement: TTN is on the minus strand). VCF-style: chr2-178620115-A-G. GRCh37 (hg19) VCF-style: chr2-179484842-A-G.
Other names: c.19110-3T>C (NM_003319.4); c.19686-3T>C (NM_133437.4); c.19485-3T>C (NM_133432.3); c.38601-3T>C (NM_133378.4); c.41382-3T>C (NM_001256850.1).
Identifiers: ClinVar variation 3602560 (VCV003602560.1).